The following is an entry in ClinVar:

NM_000722.4(CACNA2D1):c.1730A>T (p.Asp577Val)

Gene: CACNA2D1 (calcium voltage-gated channel auxiliary subunit alpha2delta 1; minus strand). Cytogenetic location: 7q21.11.
Variant type: single nucleotide variant.
Coding change: c.1730A>T on transcript NM_000722.4 (MANE Select); coding-DNA position 1730, A replaced by T.
Protein change: p.Asp577Val; replaces aspartic acid 577 with valine.
Molecular consequence: missense variant.
Genome position (GRCh38, 1-based): chr7:81,994,872, T>A on the plus strand (A>T on the coding strand, the complement: CACNA2D1 is on the minus strand). VCF-style: chr7-81994872-T-A. GRCh37 (hg19) VCF-style: chr7-81624188-T-A.
Other names: c.1787A>T, p.Asp596Val (NM_001366867.1); short protein forms D577V, D596V.
Identifiers: ClinVar variation 3232251 (VCV003232251.1), dbSNP rs2484959633, ClinGen allele CA367876676.

ClinVar aggregate classification (germline): Uncertain significance (1 of 4 stars; one submission).

Conditions:
Cardiovascular phenotype. Identifiers: MedGen CN230736.

Submission:

Ambry Genetics
Classification: Uncertain significance for Cardiovascular phenotype. Last evaluated: 2023-09-23. Review status: criteria provided, single submitter. Criteria: Ambry Variant Classification Scheme 2023. Collection method: clinical testing. Allele origin: germline.
Comment: The p.D577V variant (also known as c.1730A>T), located in coding exon 20 of the CACNA2D1 gene, results from an A to T substitution at nucleotide position 1730. The aspartic acid at codon 577 is replaced by valine, an amino acid with highly dissimilar properties. This amino acid position is conserved. In addition, this alteration is predicted to be deleterious by in silico analysis. Since supporting evidence is limited at this time, the clinical significance of this alteration remains unclear.